The following is an entry in ClinVar:

ClinVar aggregate classification (germline): Uncertain significance (1 of 4 stars; one submission).

Conditions:
Cardiovascular phenotype. Identifiers: MedGen CN230736.

gnomAD v4.1: 202 of 1,612,716 alleles (0.013%); highest among the groups gnomAD compares: South Asian, 0.19%; 4 homozygotes.

Submission:

Molecular Diagnostic Laboratory for Inherited Cardiovascular Disease, Montreal Heart Institute
Classification: Uncertain significance for Cardiovascular phenotype. Last evaluated: 2025-04-09. Review status: criteria provided, single submitter. Criteria: ACMG Guidelines, 2015. Collection method: clinical testing. Allele origin: germline. Affected: yes.
Comment: PM2

NM_198060.4(NRAP):c.599G>T (p.Arg200Leu)

Gene: NRAP (nebulin related anchoring protein; minus strand). Cytogenetic location: 10q25.3.
Variant type: single nucleotide variant.
Coding change: c.599G>T on transcript NM_198060.4 (MANE Select); coding-DNA position 599, G replaced by T.
Protein change: p.Arg200Leu; replaces arginine 200 with leucine.
Molecular consequence: missense variant.
Genome position (GRCh38, 1-based): chr10:113,651,879, C>A on the plus strand (G>T on the coding strand, the complement: NRAP is on the minus strand). VCF-style: chr10-113651879-C-A. GRCh37 (hg19) VCF-style: chr10-115411638-C-A.
Other names: c.599G>T, p.Arg200Leu (NM_001261463.2, NM_001322945.2, NM_006175.5); short protein forms R200L.
Identifiers: ClinVar variation 3895310 (VCV003895310.1), dbSNP rs369577578.